The following is an entry in ClinVar:

ClinVar aggregate classification (germline): Benign. Review status: criteria provided, multiple submitters, no conflicts (2 of 4 stars). 2 submissions from 2 submitters: Benign (2). Last evaluated 2018-06-14.

Allele frequency attached by ClinVar (database versions not stated): gnomAD exomes 0.00390 and 0.01014; ExAC 0.01252; gnomAD 0.03751 and 0.04014; ESP Exome Variant Server 0.04167; TOPMed 0.04186; 1000 Genomes Project 0.04593; 1000 Genomes Project 30x 0.04809.
gnomAD v4.1: 11,704 of 1,612,320 alleles (0.73%); highest among the groups gnomAD compares: African/African-American, 13%; 651 homozygotes.

Submissions (2):

GeneDx
Classification: Benign. Last evaluated: 2018-06-14. Review status: criteria provided, single submitter. Criteria: GeneDx Variant Classification (06012015). Collection method: clinical testing. Allele origin: germline. Affected: yes.
Comment: This variant is considered likely benign or benign based on one or more of the following criteria: it is a conservative change, it occurs at a poorly conserved position in the protein, it is predicted to be benign by multiple in silico algorithms, and/or has population frequency not consistent with disease.

Breakthrough Genomics
Classification: Benign. Review status: criteria provided, single submitter. Criteria: ACMG Guidelines, 2015. Collection method: not provided. Allele origin: germline. Inheritance: Autosomal dominant inheritance. Affected: yes.

NM_000742.4(CHRNA2):c.450-29G>A

Gene: CHRNA2 (cholinergic receptor nicotinic alpha 2 subunit; minus strand). Cytogenetic location: 8p21.2.
Variant type: single nucleotide variant.
Coding change: c.450-29G>A on transcript NM_000742.4 (MANE Select); 29 bases into the intron before coding-DNA position 450, G replaced by A.
Molecular consequence: intron variant.
Genome position (GRCh38, 1-based): chr8:27,464,022, C>T on the plus strand (G>A on the coding strand, the complement: CHRNA2 is on the minus strand). VCF-style: chr8-27464022-C-T. GRCh37 (hg19) VCF-style: chr8-27321539-C-T.
Other names: c.-23-34G>A (NM_001347705.2, NM_001347706.2); c.405-29G>A (NM_001282455.2); c.-12-162G>A (NM_001347708.2); c.-9-165G>A (NM_001347707.2).
Identifiers: ClinVar variation 673529 (VCV000673529.2), dbSNP rs76223749, ClinGen allele CA4689654.